The following is an entry in ClinVar:

ClinVar aggregate classification (germline): Uncertain significance (1 of 4 stars; one submission).

Conditions:
IFT172-related disorder. Also called: IFT172-related condition; IFT172-related disorders.

Submission:

PreventionGenetics, part of Exact Sciences
Classification: Uncertain significance for IFT172-related condition. Last evaluated: 2025-05-14. Review status: criteria provided, single submitter. Criteria: ACMG Guidelines, 2015. Collection method: clinical testing. Allele origin: germline.
Comment: The IFT172 c.425C>T variant is predicted to result in the amino acid substitution p.Thr142Ile. To our knowledge, this variant has not been reported in the literature or in a large population database (gnomAD), indicating this variant is rare. At this time, the clinical significance of this variant is uncertain due to the absence of conclusive functional and genetic evidence.

NM_015662.3(IFT172):c.425C>T (p.Thr142Ile)

Gene: IFT172 (intraflagellar transport 172; minus strand). Cytogenetic location: 2p23.3.
Variant type: single nucleotide variant.
Coding change: c.425C>T on transcript NM_015662.3 (MANE Select); coding-DNA position 425, C replaced by T.
Protein change: p.Thr142Ile; replaces threonine 142 with isoleucine.
Molecular consequence: missense variant.
Genome position (GRCh38, 1-based): chr2:27,483,637, G>A on the plus strand (C>T on the coding strand, the complement: IFT172 is on the minus strand). VCF-style: chr2-27483637-G-A. GRCh37 (hg19) VCF-style: chr2-27706504-G-A.
Other names: c.425C>T, p.Thr142Ile (NM_001410739.1); short protein forms T142I.
Identifiers: ClinVar variation 4999676 (VCV004999676.1).